The following is an entry in ClinVar:

NM_018127.7(ELAC2):c.1305-8T>C

Gene: ELAC2 (elaC ribonuclease Z 2; minus strand). Cytogenetic location: 17p12.
Variant type: single nucleotide variant.
Coding change: c.1305-8T>C on transcript NM_018127.7 (MANE Select); 8 bases into the intron before coding-DNA position 1305, T replaced by C.
Molecular consequence: intron variant.
Genome position (GRCh38, 1-based): chr17:13,000,282, A>G on the plus strand (T>C on the coding strand, the complement: ELAC2 is on the minus strand). VCF-style: chr17-13000282-A-G. GRCh37 (hg19) VCF-style: chr17-12903599-A-G.
Other names: c.1185-8T>C (NM_001165962.2, NM_001165962.1); c.1302-8T>C (NM_173717.2).
Identifiers: ClinVar variation 379970 (VCV000379970.18), dbSNP rs3760316, ClinGen allele CA8401249.

ClinVar aggregate classification (germline): Benign. Review status: criteria provided, multiple submitters, no conflicts (2 of 4 stars). 7 submissions from 7 submitters: Benign (6). 1 of the submissions does not count toward it. Last evaluated 2026-02-04.

Conditions:
Combined oxidative phosphorylation defect type 17. Also called: Combined oxidative phosphorylation deficiency 17. Identifiers: Orphanet 369913, MedGen C3809526, MONDO:0014190, OMIM 615440.
Prostate cancer, hereditary, 2 (HPC2). Identifiers: Orphanet 1331, MedGen C3539120, MONDO:0013872, OMIM 614731.

Allele frequency attached by ClinVar (database versions not stated): gnomAD 0.32004 and 0.32355; TOPMed 0.32298; ESP Exome Variant Server 0.32823; 1000 Genomes Project 0.28634; gnomAD exomes 0.30340 and 0.30666; ExAC 0.30346.
gnomAD v4.1: 492,185 of 1,612,090 alleles (31%); highest among the groups gnomAD compares: African/African-American, 39%; 78,214 homozygotes.

Submissions (7):

Labcorp Genetics (formerly Invitae), Labcorp
Classification: Benign for Combined oxidative phosphorylation defect type 17. Last evaluated: 2026-02-04. Review status: criteria provided, single submitter. Criteria: Invitae Variant Classification Sherloc (09022015). Collection method: clinical testing. Allele origin: germline.

Blueprint Genetics
Classification: Benign. Last evaluated: 2024-11-28. Review status: criteria provided, single submitter. Criteria: ACMG Guidelines, 2015. Collection method: clinical testing. Allele origin: germline.

KCCC/NGS Laboratory, Kuwait Cancer Control Center
Classification: Benign for Prostate cancer, hereditary, 2. Last evaluated: 2023-07-07. Review status: criteria provided, single submitter. Criteria: ACMG Guidelines, 2015. Collection method: clinical testing. Allele origin: germline. Affected: yes.

Genome-Nilou Lab
Classification: Benign for Combined oxidative phosphorylation defect type 17. Last evaluated: 2021-07-30. Review status: criteria provided, single submitter. Criteria: ACMG Guidelines, 2015. Collection method: clinical testing. Allele origin: germline. Affected: no.

GeneDx
Classification: Benign. Last evaluated: 2015-12-02. Review status: criteria provided, single submitter. Criteria: GeneDx Variant Classification (06012015). Collection method: clinical testing. Allele origin: germline. Affected: yes.
Comment: This variant is considered likely benign or benign based on one or more of the following criteria: it is a conservative change, it occurs at a poorly conserved position in the protein, it is predicted to be benign by multiple in silico algorithms, and/or has population frequency not consistent with disease.

Breakthrough Genomics
Classification: Benign. Review status: criteria provided, single submitter. Criteria: ACMG Guidelines, 2015. Collection method: not provided. Allele origin: germline. Inheritance: Autosomal recessive inheritance. Affected: yes.

Mayo Clinic Laboratories, Mayo Clinic
Classification: Benign. Last evaluated: 2016-02-15. Review status: no assertion criteria provided. Collection method: clinical testing. Allele origin: unknown. Not counted in ClinVar's aggregate classification.